The following is an entry in ClinVar:

ClinVar aggregate classification (germline): Conflicting classifications of pathogenicity. Review status: criteria provided, conflicting classifications (1 of 4 stars). 2 submissions from 2 submitters: Uncertain significance (1); Benign (1). Last evaluated 2026-02-03.

Submissions (2):

Labcorp Genetics (formerly Invitae), Labcorp
Classification: Benign. Last evaluated: 2026-02-03. Review status: criteria provided, single submitter. Criteria: Invitae Variant Classification Sherloc (09022015). Collection method: clinical testing. Allele origin: germline.

Genetic Services Laboratory, University of Chicago
Classification: Uncertain significance. Last evaluated: 2024-04-04. Review status: criteria provided, single submitter. Criteria: ACMG Guidelines, 2015. Collection method: clinical testing. Allele origin: germline. Affected: no.
Comment: DNA sequence analysis of the MTOR gene demonstrated a deletion and insertion of two base pairs in intron 37, c.5246+8_5246+9delinsGT. This change does not appear to have been previously described in individuals with MTOR-related disorders and has also not been described in the population databases such as ExAC and gnomAD. In-silico splice prediction programs provide inconclusive results for this sequence change. It is possible that this sequence change represents a benign sequence change in the MTOR gene that has not been identified to date. The functional significance of this sequence change is not known at present.

NM_004958.4(MTOR):c.5246+8_5246+9delinsGT

Gene: MTOR (mechanistic target of rapamycin kinase; minus strand). Cytogenetic location: 1p36.22.
Variant type: Indel.
Coding change: c.5246+8_5246+9delinsGT on transcript NM_004958.4 (MANE Select); bases 8 to 9 of the intron after coding-DNA position 5246, CC replaced by GT.
Molecular consequence: intron variant.
Genome position (GRCh38, 1-based): chr1:11,134,342-11,134,343, GG replaced by AC on the plus strand (CC replaced by GT on the coding strand, the reverse complement: MTOR is on the minus strand). VCF-style: chr1-11134342-GG-AC. GRCh37 (hg19) VCF-style: chr1-11194399-GG-AC.
Other names: c.5246+8_5246+9delCCinsGT (LRG_734t1); c.5246+8_5246+9delinsGT (NM_004958.3).
Identifiers: ClinVar variation 240080 (VCV000240080.13), dbSNP rs878854748, ClinGen allele CA10581721.